The following is an entry in ClinVar:

NM_001244710.2(GFPT1):c.652T>C (p.Ser218Pro)

Gene: GFPT1 (glutamine--fructose-6-phosphate transaminase 1; minus strand). Cytogenetic location: 2p13.3.
Variant type: single nucleotide variant.
Coding change: c.652T>C on transcript NM_001244710.2 (MANE Select); coding-DNA position 652, T replaced by C.
Protein change: p.Ser218Pro; replaces serine 218 with proline.
Molecular consequence: missense variant.
Genome position (GRCh38, 1-based): chr2:69,354,522, A>G on the plus strand (T>C on the coding strand, the complement: GFPT1 is on the minus strand). VCF-style: chr2-69354522-A-G. GRCh37 (hg19) VCF-style: chr2-69581654-A-G.
Other names: c.652T>C, p.Ser218Pro (NM_002056.4); short protein forms S218P.
Identifiers: ClinVar variation 2018529 (VCV002018529.4), dbSNP rs2466100359, ClinGen allele CA347129986.
Genomic context (GRCh38, chr2:69,354,522, plus strand): 5'-GCACTGCATTTGTAGAGGTAATTTTACCTGTTCTGTAGAGTATAGGAATGTGATCAGTAG[A>G]AAGTTTATGTTCACTCCGTACACCAATCAACAGAGGGCTACCTCGCCTGTAAATTGCAAA-3'
Protein context (NP_001231639.1, residues 208-228): LIGVRSEHKL[Ser218Pro]TDHIPILYRT

ClinVar aggregate classification (germline): Uncertain significance (1 of 4 stars; one submission).

Conditions:
Congenital myasthenic syndrome 12 (CMS12). Also called: MYASTHENIC SYNDROME, CONGENITAL, WITH TUBULAR AGGREGATES 1; Myasthenia, congenital, 12, with tubular aggregates. Identifiers: Orphanet 353327, Orphanet 590, MedGen C3552335, MONDO:0012518, OMIM 610542.

gnomAD v4.1: 1 of 1,609,626 alleles (0.000062%); no homozygotes.

Submission:

Labcorp Genetics (formerly Invitae), Labcorp
Classification: Uncertain significance for Congenital myasthenic syndrome 12. Last evaluated: 2022-10-05. Review status: criteria provided, single submitter. Criteria: Invitae Variant Classification Sherloc (09022015). Collection method: clinical testing. Allele origin: germline.
Comment: In summary, the available evidence is currently insufficient to determine the role of this variant in disease. Therefore, it has been classified as a Variant of Uncertain Significance. Algorithms developed to predict the effect of missense changes on protein structure and function are either unavailable or do not agree on the potential impact of this missense change (SIFT: "Deleterious"; PolyPhen-2: "Benign"; Align-GVGD: "Class C0"). This variant has not been reported in the literature in individuals affected with GFPT1-related conditions. This variant is not present in population databases (gnomAD no frequency). This sequence change replaces serine, which is neutral and polar, with proline, which is neutral and non-polar, at codon 218 of the GFPT1 protein (p.Ser218Pro).